The following is an entry in ClinVar:

ClinVar aggregate classification (germline): Uncertain significance (1 of 4 stars; one submission).

Conditions:
Heimler syndrome 2 (HMLR2). Also called: PEROXISOME BIOGENESIS DISORDER 4C. Identifiers: Orphanet 3220, MedGen C4225267, OMIM 616617, MONDO:0014709.
Peroxisome biogenesis disorder 4A (Zellweger) (PBD4A). Also called: Zellweger syndrome spectrum (PEX6-related). Identifiers: Orphanet 912, MedGen C3553936, MONDO:0013930, OMIM 614862. Disease mechanism: loss of function.
Peroxisome biogenesis disorder 4B (PBD4B). Also called: SPINOCEREBELLAR ATAXIA WITH BLINDNESS AND DEAFNESS 1. Identifiers: Orphanet 44, Orphanet 95433, MedGen C3553937, MONDO:0013931, OMIM 614863.

Submission:

Juno Genomics, Hangzhou Juno Genomics, Inc
Classification: Uncertain significance for Heimler syndrome 2; Peroxisome biogenesis disorder 4A (Zellweger); Peroxisome biogenesis disorder 4B. Review status: criteria provided, single submitter. Criteria: ACMG Guidelines, 2015. Collection method: clinical testing. Allele origin: germline.
Comment: Absent from controls (or at extremely low frequency if recessive) in Genome Aggregation Database.;Multiple lines of computational evidence support a deleterious effect on the gene or gene product.

NM_000287.4(PEX6):c.1902T>G (p.Asp634Glu)

Gene: PEX6 (peroxisomal biogenesis factor 6; minus strand). Cytogenetic location: 6p21.1.
Variant type: single nucleotide variant.
Coding change: c.1902T>G on transcript NM_000287.4 (MANE Select); coding-DNA position 1902, T replaced by G.
Protein change: p.Asp634Glu; replaces aspartic acid 634 with glutamic acid.
Molecular consequence: missense variant. On other transcripts: non-coding transcript variant (1).
Genome position (GRCh38, 1-based): chr6:42,966,841, A>C on the plus strand (T>G on the coding strand, the complement: PEX6 is on the minus strand). VCF-style: chr6-42966841-A-C. GRCh37 (hg19) VCF-style: chr6-42934579-A-C.
Other names: c.1638T>G, p.Asp546Glu (NM_001316313.2); short protein forms D546E, D634E.
Identifiers: ClinVar variation 5018676 (VCV005018676.2).